The following is an entry in ClinVar:

ClinVar aggregate classification (germline): Uncertain significance (1 of 4 stars; one submission).

Conditions:
Hereditary cancer-predisposing syndrome. Also called: Neoplastic Syndromes, Hereditary; Tumor predisposition; Hereditary neoplastic syndrome; Hereditary Cancer Syndrome. Identifiers: Orphanet 140162, MedGen C0027672, MeSH D009386, MONDO:0015356.

Submission:

Ambry Genetics
Classification: Uncertain significance for Hereditary cancer-predisposing syndrome. Last evaluated: 2026-07-13. Review status: criteria provided, single submitter. Criteria: Ambry Variant Classification Scheme 2023. Collection method: clinical testing. Allele origin: germline.
Comment: The p.L698F variant (also known as c.2094G>T), located in coding exon 19 of the POLE gene, results from a G to T substitution at nucleotide position 2094. The leucine at codon 698 is replaced by phenylalanine, an amino acid with highly similar properties. This amino acid position is conserved. In addition, this alteration is predicted to be tolerated by in silico analysis. Based on the available evidence, the clinical significance of this variant remains unclear.

NM_006231.4(POLE):c.2094G>T (p.Leu698Phe)

Gene: POLE (DNA polymerase epsilon, catalytic subunit; minus strand). Cytogenetic location: 12q24.33.
Variant type: single nucleotide variant.
Coding change: c.2094G>T on transcript NM_006231.4 (MANE Select); coding-DNA position 2094, G replaced by T.
Protein change: p.Leu698Phe; replaces leucine 698 with phenylalanine.
Molecular consequence: missense variant.
Genome position (GRCh38, 1-based): chr12:132,668,435, C>A on the plus strand (G>T on the coding strand, the complement: POLE is on the minus strand). VCF-style: chr12-132668435-C-A. GRCh37 (hg19) VCF-style: chr12-133245021-C-A.
Other names: short protein forms L698F.
Identifiers: ClinVar variation 5027079 (VCV005027079.1).